The following is an entry in ClinVar:

NM_031220.4(PITPNM3):c.*1223C>T

Gene: PITPNM3 (PITPNM family member 3; minus strand). Cytogenetic location: 17p13.2.
Variant type: single nucleotide variant.
Coding change: c.*1223C>T on transcript NM_031220.4 (MANE Select); 1223 bases downstream of the stop codon, C replaced by T.
Molecular consequence: 3 prime UTR variant.
Genome position (GRCh38, 1-based): chr17:6,454,115, G>A on the plus strand (C>T on the coding strand, the complement: PITPNM3 is on the minus strand). VCF-style: chr17-6454115-G-A. GRCh37 (hg19) VCF-style: chr17-6357435-G-A.
Other names: c.*1223C>T (NM_001165966.2).
Identifiers: ClinVar variation 890536 (VCV000890536.4), dbSNP rs141728004, ClinGen allele CA15909266.
Genomic context (GRCh38, chr17:6,454,115, plus strand): 5'-GAGCAGCAGGGGAAAGGGAAGAGAATACAACAGTTGGAGCCAAACTTCCAGGAACCCCTA[G>A]AACCCTGGAATCTCAGCTCTATGCCTCTGGGAGCCAAAAAGGATAAAAGGGTCCTGGCAG-3'

ClinVar aggregate classification (germline): Benign (1 of 4 stars; one submission).

Conditions:
Cone-rod dystrophy 5 (CORD5). Identifiers: Orphanet 1872, MedGen C1832976, MONDO:0010969, OMIM 600977.

Allele frequency attached by ClinVar (database versions not stated): gnomAD 0.00208 and 0.00224; TOPMed 0.00250; 1000 Genomes Project 0.00260; 1000 Genomes Project 30x 0.00297.

Submission:

Illumina Laboratory Services, Illumina
Classification: Benign for Cone-rod dystrophy 5. Last evaluated: 2018-01-13. Review status: criteria provided, single submitter. Criteria: ICSL Variant Classification Criteria 13 December 2019. Collection method: clinical testing. Allele origin: germline.
Comment: This variant was observed in the ICSL laboratory as part of a predisposition screen in an ostensibly healthy population. It had not been previously curated by ICSL or reported in the Human Gene Mutation Database (HGMD: prior to June 1st, 2018), and was therefore a candidate for classification through an automated scoring system. Utilizing variant allele frequency, disease prevalence and penetrance estimates, and inheritance mode, an automated score was calculated to assess if this variant is too frequent to cause the disease. Based on the score and internal cut-off values, a variant classified as benign is not then subjected to further curation. The score for this variant resulted in a classification of benign for this disease.